The following is an entry in ClinVar:

ClinVar aggregate classification (germline): Benign/Likely benign. Review status: criteria provided, multiple submitters, no conflicts (2 of 4 stars). 6 submissions from 6 submitters: Benign (5); Likely benign (1). Last evaluated 2026-01-21.

Conditions:
Atypical hemolytic-uremic syndrome with I factor anomaly. Also called: HEMOLYTIC UREMIC SYNDROME, ATYPICAL, SUSCEPTIBILITY TO, 3; AHUS, SUSCEPTIBILITY TO, 3. Identifiers: Orphanet 2134, MedGen C2752039, MONDO:0013041, OMIM 612923.
CFI-related disorder. Also called: CFI-related condition; CFI-related disorders. Identifiers: MedGen CN239325.

Allele frequency attached by ClinVar (database versions not stated): gnomAD exomes 0.00079 and 0.00214; ExAC 0.00267; ESP Exome Variant Server 0.00777; gnomAD 0.00800 and 0.00861; 1000 Genomes Project 0.00879; 1000 Genomes Project 30x 0.00890; TOPMed 0.00908.

Submissions (6):

Women's Health and Genetics/Laboratory Corporation of America, LabCorp
Classification: Benign. Last evaluated: 2026-01-21. Review status: criteria provided, single submitter. Criteria: LabCorp Variant Classification Summary - May 2015. Collection method: clinical testing. Allele origin: germline.

Genomenon, Inc
Classification: Benign for CFI-related disorder. Last evaluated: 2025-09-26. Review status: criteria provided, single submitter. Criteria: Genomenon Sequence Variant Interpretation Standards - Updated. Collection method: curation. Allele origin: germline. Affected: no.
Comment: CFI c.*7G>T is a variant located in the 3′ untranslated region (3′ UTR). This variant is present at high allele frequency in population databases. In conclusion, we classify CFI c.*7G>T as a benign variant.

Mayo Clinic Laboratories, Mayo Clinic
Classification: Likely benign. Last evaluated: 2025-08-11. Review status: criteria provided, single submitter. Criteria: ACMG Guidelines, 2015. Collection method: clinical testing. Allele origin: germline. Observed: 42 variant alleles.
Comment: BS1, BP4, BP7

Genetic Services Laboratory, University of Chicago
Classification: Benign. Last evaluated: 2019-05-14. Review status: criteria provided, single submitter. Criteria: ACMG Guidelines, 2015. Collection method: clinical testing. Allele origin: germline. Affected: no.

Illumina Laboratory Services, Illumina
Classification: Benign for Atypical hemolytic-uremic syndrome with I factor anomaly. Last evaluated: 2018-01-12. Review status: criteria provided, single submitter. Criteria: ICSL Variant Classification Criteria 13 December 2019. Collection method: clinical testing. Allele origin: germline.
Comment: This variant was observed in the ICSL laboratory as part of a predisposition screen in an ostensibly healthy population. It had not been previously curated by ICSL or reported in the Human Gene Mutation Database (HGMD: prior to June 1st, 2018), and was therefore a candidate for classification through an automated scoring system. Utilizing variant allele frequency, disease prevalence and penetrance estimates, and inheritance mode, an automated score was calculated to assess if this variant is too frequent to cause the disease. Based on the score and internal cut-off values, a variant classified as benign is not then subjected to further curation. The score for this variant resulted in a classification of benign for this disease.

Breakthrough Genomics
Classification: Benign. Review status: criteria provided, single submitter. Criteria: ACMG Guidelines, 2015. Collection method: not provided. Allele origin: germline. Inheritance: Autosomal recessive inheritance. Affected: yes.

NM_000204.5(CFI):c.*7G>T

Gene: CFI (complement factor I; minus strand). Cytogenetic location: 4q25.
Variant type: single nucleotide variant.
Coding change: c.*7G>T on transcript NM_000204.5 (MANE Select); 7 bases downstream of the stop codon, G replaced by T.
Molecular consequence: 3 prime UTR variant. On other transcripts: non-coding transcript variant (3), intron variant (5).
Genome position (GRCh38, 1-based): chr4:109,740,886, C>A on the plus strand (G>T on the coding strand, the complement: CFI is on the minus strand). VCF-style: chr4-109740886-C-A. GRCh37 (hg19) VCF-style: chr4-110662042-C-A.
Other names: c.*7G>T (NM_001318057.2, NM_001331035.2, NM_001375283.1 and 2 more transcripts); c.1513+1605G>T (NM_001375282.1, NM_001375280.1); c.1534+1605G>T (NM_001375281.1, NM_001375279.1); c.1558+1605G>T (NM_001375278.1).
Identifiers: ClinVar variation 347144 (VCV000347144.12), dbSNP rs80173133, ClinGen allele CA3041826.
Genomic context (GRCh38, chr4:109,740,886, plus strand): 5'-CCGTTTTATTTCCATTAAATGGAACTCTTGAGAGAAAAAGAATAGAATGAAGAGAGAGAT[C>A]ACAATTTTATACATTGTACTGAGAAATAAAAGGCCTTCCTACATGGTAGCTAATCCAGTC-3'